The following is an entry in ClinVar:

ClinVar aggregate classification (germline): Uncertain significance (1 of 4 stars; one submission).

gnomAD v4.1: 2 of 1,613,760 alleles (0.00012%); highest among the groups gnomAD compares: Admixed American, 0.0017%; no homozygotes.

Submission:

Labcorp Genetics (formerly Invitae), Labcorp
Classification: Uncertain significance. Last evaluated: 2025-04-07. Review status: criteria provided, single submitter. Criteria: Invitae Variant Classification Sherloc (09022015). Collection method: clinical testing. Allele origin: germline.
Comment: This sequence change falls in intron 9 of the AP2M1 gene. It does not directly change the encoded amino acid sequence of the AP2M1 protein. It affects a nucleotide within the consensus splice site. This variant is not present in population databases (gnomAD no frequency). This variant has not been reported in the literature in individuals affected with AP2M1-related conditions. Variants that disrupt the consensus splice site are a relatively common cause of aberrant splicing (PMID: 17576681, 9536098). Algorithms developed to predict the effect of sequence changes on RNA splicing suggest that this variant is not likely to affect RNA splicing. In summary, the available evidence is currently insufficient to determine the role of this variant in disease. Therefore, it has been classified as a Variant of Uncertain Significance.

Literature cited by the submitters: PubMed 17576681; PubMed 9536098.

NM_004068.4(AP2M1):c.964-3T>C

Gene: AP2M1 (adaptor related protein complex 2 subunit mu 1; plus strand). Cytogenetic location: 3q27.1.
Variant type: single nucleotide variant.
Coding change: c.964-3T>C on transcript NM_004068.4 (MANE Select); 3 bases into the intron before coding-DNA position 964, T replaced by C.
Molecular consequence: intron variant.
Genome position (GRCh38, 1-based): chr3:184,182,148, T>C. VCF-style: chr3-184182148-T-C. GRCh37 (hg19) VCF-style: chr3-183899936-T-C.
Other names: c.1039-3T>C (NM_001311198.2); c.958-3T>C (NM_001025205.2).
Identifiers: ClinVar variation 4781890 (VCV004781890.1).